The following is an entry in ClinVar:

ClinVar aggregate classification (germline): Likely benign. Review status: criteria provided, multiple submitters, no conflicts (2 of 4 stars). 2 submissions from 2 submitters: Likely benign (2). Last evaluated 2025-06-05.

Conditions:
Tuberous sclerosis 2 (TSC2). Identifiers: Orphanet 805, MedGen C1860707, MONDO:0013199, OMIM 613254.

Allele frequency attached by ClinVar (database versions not stated): gnomAD exomes below 0.00001; ExAC 0.00001.

Submissions (2):

Myriad Genetics, Inc.
Classification: Likely benign for Tuberous sclerosis 2. Last evaluated: 2025-06-05. Review status: criteria provided, single submitter. Criteria: Myriad Autosomal Dominant, Autosomal Recessive and X-Linked Classification Criteria (2023). Collection method: clinical testing. Allele origin: unknown.
Comment: This variant is considered likely benign. This variant is intronic and is not expected to impact mRNA splicing.

Labcorp Genetics (formerly Invitae), Labcorp
Classification: Likely benign for Tuberous sclerosis 2. Last evaluated: 2023-04-12. Review status: criteria provided, single submitter. Criteria: Invitae Variant Classification Sherloc (09022015). Collection method: clinical testing. Allele origin: germline.

NM_000548.5(TSC2):c.5069-19G>A

Gene: TSC2 (TSC complex subunit 2; plus strand). Cytogenetic location: 16p13.3.
Variant type: single nucleotide variant.
Coding change: c.5069-19G>A on transcript NM_000548.5 (MANE Select); 19 bases into the intron before coding-DNA position 5069, G replaced by A.
Molecular consequence: intron variant.
Genome position (GRCh38, 1-based): chr16:2,088,029, G>A. VCF-style: chr16-2088029-G-A. GRCh37 (hg19) VCF-style: chr16-2138030-G-A.
Other names: c.3527-19G>A (NM_001406693.1, NM_001406692.1, NM_001406694.1); c.4961-19G>A (NM_001406667.1); c.4958-19G>A (NM_001406668.1); c.4469-19G>A (NM_001406680.1); c.4400-19G>A (NM_001406683.1, NM_001406682.1); c.4268-19G>A (NM_001406687.1, NM_001406688.1); c.3656-19G>A (NM_001406689.1); c.3596-19G>A (NM_001406690.1); and 26 more.
Identifiers: ClinVar variation 2855446 (VCV002855446.4), dbSNP rs775918252, ClinGen allele CA053777.